The following is an entry in ClinVar:

ClinVar aggregate classification (germline): Benign/Likely benign. Review status: criteria provided, multiple submitters, no conflicts (2 of 4 stars). 3 submissions from 3 submitters: Benign (2); Likely benign (1). Last evaluated 2026-01-06.

Allele frequency attached by ClinVar (database versions not stated): ESP Exome Variant Server 0.00039; TOPMed 0.00043; 1000 Genomes Project 30x 0.00047; 1000 Genomes Project 0.00080; ExAC 0.00139; gnomAD 0.00149 and 0.00152; gnomAD exomes 0.00164.
gnomAD v4.1: 1,546 of 1,613,952 alleles (0.096%); highest among the groups gnomAD compares: South Asian, 0.12%; 11 homozygotes.

Submissions (3):

Labcorp Genetics (formerly Invitae), Labcorp
Classification: Benign. Last evaluated: 2026-01-06. Review status: criteria provided, single submitter. Criteria: Invitae Variant Classification Sherloc (09022015). Collection method: clinical testing. Allele origin: germline.

CeGaT Center for Human Genetics Tuebingen
Classification: Likely benign. Last evaluated: 2023-09-01. Review status: criteria provided, single submitter. Criteria: CeGaT Center For Human Genetics Tuebingen Variant Classification Criteria Version 2. Collection method: clinical testing. Allele origin: germline. Affected: yes. Observed: 1 variant allele.
Comment: ACAN: BP4, BP7

Breakthrough Genomics
Classification: Benign. Review status: criteria provided, single submitter. Criteria: ACMG Guidelines, 2015. Collection method: not provided. Allele origin: germline. Inheritance: Autosomal recessive inheritance. Affected: yes.

NM_001369268.1(ACAN):c.7128C>T (p.Arg2376=)

Gene: ACAN (aggrecan; plus strand). Cytogenetic location: 15q26.1.
Variant type: single nucleotide variant.
Coding change: c.7128C>T on transcript NM_001369268.1 (MANE Select); coding-DNA position 7128, C replaced by T.
Protein change: p.Arg2376=; no amino-acid change (arginine 2376 retained).
Molecular consequence: synonymous variant.
Genome position (GRCh38, 1-based): chr15:88,871,449, C>T. VCF-style: chr15-88871449-C-T. GRCh37 (hg19) VCF-style: chr15-89414680-C-T.
Other names: c.6900C>T, p.Arg2300= (NM_001135.4); c.7014C>T, p.Arg2338= (NM_013227.4).
Identifiers: ClinVar variation 707820 (VCV000707820.33), dbSNP rs182888026, ClinGen allele CA7720569.